The following is an entry in ClinVar:

NM_012452.3(TNFRSF13B):c.583T>C (p.Cys195Arg)

Gene: TNFRSF13B (TNF receptor superfamily member 13B; minus strand). Cytogenetic location: 17p11.2.
Variant type: single nucleotide variant.
Coding change: c.583T>C on transcript NM_012452.3 (MANE Select); coding-DNA position 583, T replaced by C.
Protein change: p.Cys195Arg; replaces cysteine 195 with arginine.
Molecular consequence: missense variant.
Genome position (GRCh38, 1-based): chr17:16,940,374, A>G on the plus strand (T>C on the coding strand, the complement: TNFRSF13B is on the minus strand). VCF-style: chr17-16940374-A-G. GRCh37 (hg19) VCF-style: chr17-16843688-A-G.
Other names: short protein forms C195R.
Identifiers: ClinVar variation 3252577 (VCV003252577.1), dbSNP rs2508181743.

ClinVar aggregate classification (germline): Uncertain significance (1 of 4 stars; one submission).

Submission:

GeneDx
Classification: Uncertain significance. Last evaluated: 2023-12-08. Review status: criteria provided, single submitter. Criteria: GeneDx Variant Classification Process June 2021. Collection method: clinical testing. Allele origin: germline. Affected: yes.
Comment: Not observed at significant frequency in large population cohorts (gnomAD); In silico analysis supports that this missense variant has a deleterious effect on protein structure/function; Has not been previously published as pathogenic or benign to our knowledge